The following is an entry in ClinVar:

NM_138370.3(PKDCC):c.1127G>C (p.Trp376Ser)

Gene: PKDCC (protein kinase domain containing, cytoplasmic; plus strand). Cytogenetic location: 2p21.
Variant type: single nucleotide variant.
Coding change: c.1127G>C on transcript NM_138370.3 (MANE Select); coding-DNA position 1127, G replaced by C.
Protein change: p.Trp376Ser; replaces tryptophan 376 with serine.
Molecular consequence: missense variant.
Genome position (GRCh38, 1-based): chr2:42,055,298, G>C. VCF-style: chr2-42055298-G-C. GRCh37 (hg19) VCF-style: chr2-42282438-G-C.
Other names: c.1127G>C (NM_138370.2); short protein forms W376S.
Identifiers: ClinVar variation 2200116 (VCV002200116.2), dbSNP rs369267445, ClinGen allele CA1628150.

ClinVar aggregate classification (germline): Uncertain significance. Review status: criteria provided, multiple submitters, no conflicts (2 of 4 stars). 2 submissions from 2 submitters: Uncertain significance (2). Last evaluated 2024-04-09.

Conditions:
Inborn genetic diseases. Identifiers: MedGen C0950123, MeSH D030342.

Allele frequency attached by ClinVar (database versions not stated): ESP Exome Variant Server 0.00008; gnomAD 0.00009; 1000 Genomes Project 30x 0.00016; 1000 Genomes Project 0.00020.
gnomAD v4.1: 57 of 1,612,810 alleles (0.0035%); highest among the groups gnomAD compares: African/African-American, 0.023%; 1 homozygote.

Submissions (2):

Ambry Genetics
Classification: Uncertain significance for Inborn genetic diseases. Last evaluated: 2024-04-09. Review status: criteria provided, single submitter. Criteria: Ambry Variant Classification Scheme 2023. Collection method: clinical testing. Allele origin: germline.

Labcorp Genetics (formerly Invitae), Labcorp
Classification: Uncertain significance. Last evaluated: 2022-05-21. Review status: criteria provided, single submitter. Criteria: Invitae Variant Classification Sherloc (09022015). Collection method: clinical testing. Allele origin: germline.
Comment: This sequence change replaces tryptophan, which is neutral and slightly polar, with serine, which is neutral and polar, at codon 376 of the PKDCC protein (p.Trp376Ser). This variant is present in population databases (rs369267445, gnomAD 0.02%). This variant has not been reported in the literature in individuals affected with PKDCC-related conditions. Algorithms developed to predict the effect of missense changes on protein structure and function are either unavailable or do not agree on the potential impact of this missense change (SIFT: "Deleterious"; PolyPhen-2: "Benign"; Align-GVGD: "Class C65"). In summary, the available evidence is currently insufficient to determine the role of this variant in disease. Therefore, it has been classified as a Variant of Uncertain Significance.